The following is an entry in ClinVar:

NM_019892.6(INPP5E):c.1410T>C (p.Asp470=)

Gene: INPP5E (inositol polyphosphate-5-phosphatase E; minus strand). Cytogenetic location: 9q34.3.
Variant type: single nucleotide variant.
Coding change: c.1410T>C on transcript NM_019892.6 (MANE Select); coding-DNA position 1410, T replaced by C.
Protein change: p.Asp470=; no amino-acid change (aspartic acid 470 retained).
Molecular consequence: synonymous variant.
Genome position (GRCh38, 1-based): chr9:136,431,963, A>G on the plus strand (T>C on the coding strand, the complement: INPP5E is on the minus strand). VCF-style: chr9-136431963-A-G. GRCh37 (hg19) VCF-style: chr9-139326415-A-G.
Other names: c.1407T>C, p.Asp469= (NM_001318502.2); c.1410T>C (NM_019892.5).
Identifiers: ClinVar variation 1154913 (VCV001154913.11), dbSNP rs138552060, ClinGen allele CA5336800.

ClinVar aggregate classification (germline): Likely benign. Review status: criteria provided, single submitter (1 of 4 stars). 2 submissions from 2 submitters: Likely benign (1). 1 of the submissions does not count toward it. Last evaluated 2025-11-13.

Conditions:
INPP5E-related disorder. Also called: INPP5E-related condition.
Joubert syndrome. Also called: CEREBELLOPARENCHYMAL DISORDER IV; JOUBERT-BOLTSHAUSER SYNDROME; Familial aplasia of the vermis. Identifiers: Orphanet 475, MedGen C5979921, MONDO:0018772.

Allele frequency attached by ClinVar (database versions not stated): ExAC 0.00003; gnomAD exomes 0.00003 and 0.00001; TOPMed 0.00005; gnomAD 0.00007; 1000 Genomes Project 30x 0.00016; 1000 Genomes Project 0.00020.
gnomAD v4.1: 29 of 1,612,098 alleles (0.0018%); highest among the groups gnomAD compares: Admixed American, 0.022%; 1 homozygote.

Submissions (2):

Labcorp Genetics (formerly Invitae), Labcorp
Classification: Likely benign for Joubert syndrome. Last evaluated: 2025-11-13. Review status: criteria provided, single submitter. Criteria: Invitae Variant Classification Sherloc (09022015). Collection method: clinical testing. Allele origin: germline.

PreventionGenetics, part of Exact Sciences
Classification: Likely benign for INPP5E-related condition. Last evaluated: 2023-03-03. Review status: no assertion criteria provided. Collection method: clinical testing. Allele origin: germline. Not counted in ClinVar's aggregate classification.
Comment: This variant is classified as likely benign based on ACMG/AMP sequence variant interpretation guidelines (Richards et al. 2015 PMID: 25741868, with internal and published modifications).